The following is an entry in ClinVar:

ClinVar aggregate classification (germline): Likely benign (1 of 4 stars; one submission).

Submission:

Women's Health and Genetics/Laboratory Corporation of America, LabCorp
Classification: Likely benign. Last evaluated: 2025-11-06. Review status: criteria provided, single submitter. Criteria: LabCorp Variant Classification Summary - May 2015. Collection method: clinical testing. Allele origin: germline.
Comment: Variant summary: LAMA5 c.717G>C alters a conserved nucleotide resulting in a synonymous change. Consensus agreement among computation tools predict no significant impact on normal splicing. However, these predictions have yet to be confirmed by functional studies. The variant was absent in 248296 control chromosomes. The available data on variant occurrences in the general population are insufficient to allow any conclusion about variant significance. To our knowledge, no occurrence of c.717G>C in individuals affected with LAMA5-related conditions and no experimental evidence demonstrating its impact on protein function have been reported. No submitters have cited clinical-significance assessments for this variant to ClinVar. Based on the evidence outlined above, the variant was classified as likely benign.

NM_005560.6(LAMA5):c.717G>C (p.Pro239=)

Gene: LAMA5 (laminin subunit alpha 5; minus strand). Cytogenetic location: 20q13.33.
Variant type: single nucleotide variant.
Coding change: c.717G>C on transcript NM_005560.6 (MANE Select); coding-DNA position 717, G replaced by C.
Protein change: p.Pro239=; no amino-acid change (proline 239 retained).
Molecular consequence: synonymous variant.
Genome position (GRCh38, 1-based): chr20:62,352,050, C>G on the plus strand (G>C on the coding strand, the complement: LAMA5 is on the minus strand). VCF-style: chr20-62352050-C-G. GRCh37 (hg19) VCF-style: chr20-60927106-C-G.
Identifiers: ClinVar variation 4537022 (VCV004537022.1).